The following is an entry in ClinVar:

ClinVar aggregate classification (germline): Uncertain significance (1 of 4 stars; one submission).

Conditions:
Early-infantile DEE. Also called: Ohtahara syndrome; Early infantile epileptic encephalopathy; Early infantile epileptic encephalopathy with suppression bursts. Identifiers: Orphanet 1934, MedGen C0393706, MONDO:0800491.

Submission:

Labcorp Genetics (formerly Invitae), Labcorp
Classification: Uncertain significance for Early-infantile DEE. Last evaluated: 2021-11-01. Review status: criteria provided, single submitter. Criteria: Invitae Variant Classification Sherloc (09022015). Collection method: clinical testing. Allele origin: germline.
Comment: This sequence change falls in intron 16 of the SCN1A gene. It does not directly change the encoded amino acid sequence of the SCN1A protein. It affects a nucleotide within the consensus splice site. This variant is not present in population databases (gnomAD no frequency). This variant has been observed in individual(s) with genetic epilepsy febrile seizures plus (PMID: 29460957). ClinVar contains an entry for this variant (Variation ID: 1037251). Variants that disrupt the consensus splice site are a relatively common cause of aberrant splicing (PMID: 17576681, 9536098). Algorithms developed to predict the effect of sequence changes on RNA splicing suggest that this variant may disrupt the consensus splice site. In summary, the available evidence is currently insufficient to determine the role of this variant in disease. Therefore, it has been classified as a Variant of Uncertain Significance.

Literature cited by the submitters: PubMed 29460957; PubMed 17576681; PubMed 9536098.

NM_001165963.4(SCN1A):c.3430-3C>G

Genes: SCN1A (sodium voltage-gated channel alpha subunit 1; minus strand), LOC102724058 (uncharacterized LOC102724058; plus strand). Cytogenetic location: 2q24.3.
Variant type: single nucleotide variant.
Coding change: c.3430-3C>G on transcript NM_001165963.4 (MANE Select); 3 bases into the intron before coding-DNA position 3430, C replaced by G.
Molecular consequence: intron variant.
Genome position (GRCh38, 1-based): chr2:166,015,730, G>C on the plus strand (C>G on the coding strand, the complement: SCN1A is on the minus strand). VCF-style: chr2-166015730-G-C. GRCh37 (hg19) VCF-style: chr2-166872240-G-C.
Other names: c.3397-3C>G (NM_001353949.2, NM_001353950.2, NM_001353951.2 and 2 more transcripts); c.3346-3C>G (NM_001353958.2, NM_001353957.2, NM_001165964.3); c.3430-3C>G (NM_001202435.3, NM_001353948.2); c.3394-3C>G (NM_001353955.2, NM_001353954.2); c.3343-3C>G (NM_001353960.2); c.988-3C>G (NM_001353961.2).
Identifiers: ClinVar variation 1037251 (VCV001037251.7), dbSNP rs1693199299, ClinGen allele CA1304844803.
Genomic context (GRCh38, chr2:166,015,730, plus strand): 5'-CAGGTGCGCCGATGTCCACAGTGCTACCTTCTGATGAGCTACTGCTTTCATTCAGTTTCT[G>C]TAAGTGAGATGGACATAGAAAGTAAAGTCCTTTAATTTTGGTAATAAGTTGCCTGCCAAG-3'